The following is an entry in ClinVar:

NM_000053.4(ATP7B):c.3237T>A (p.Cys1079Ter)

Gene: ATP7B (ATPase copper transporting beta; minus strand). Cytogenetic location: 13q14.3.
Variant type: single nucleotide variant.
Coding change: c.3237T>A on transcript NM_000053.4 (MANE Select); coding-DNA position 3237, T replaced by A.
Protein change: p.Cys1079Ter; replaces cysteine 1079 with a stop codon.
Molecular consequence: nonsense.
Genome position (GRCh38, 1-based): chr13:51,944,115, A>T on the plus strand (T>A on the coding strand, the complement: ATP7B is on the minus strand). VCF-style: chr13-51944115-A-T. GRCh37 (hg19) VCF-style: chr13-52518251-A-T.
Other names: c.2616T>A, p.Cys872Ter (NM_001005918.3); c.2904T>A, p.Cys968Ter (NM_001243182.2); c.3003T>A, p.Cys1001Ter (NM_001330578.2); c.2985T>A, p.Cys995Ter (NM_001330579.2); short protein forms C1001*, C1079*, C872*, C968*, C995*.
Identifiers: ClinVar variation 983749 (VCV000983749.11), dbSNP rs1957506216, ClinGen allele CA388029772.

ClinVar aggregate classification (germline): Pathogenic/Likely pathogenic. Review status: criteria provided, multiple submitters, no conflicts (2 of 4 stars). 3 submissions from 3 submitters: Pathogenic (2); Likely pathogenic (1). Last evaluated 2021-08-10.

Conditions:
Wilson disease (WND). Also called: Wilson's disease. Identifiers: Orphanet 905, MedGen C0019202, MONDO:0010200, OMIM 277900. Disease mechanism: loss of function.

Allele frequency attached by ClinVar (database versions not stated): gnomAD exomes below 0.00001.

Submissions (3):

Genome-Nilou Lab
Classification: Pathogenic for Wilson disease. Last evaluated: 2021-08-10. Review status: criteria provided, single submitter. Criteria: ACMG Guidelines, 2015. Collection method: clinical testing. Allele origin: germline. Affected: no.

Labcorp Genetics (formerly Invitae), Labcorp
Classification: Pathogenic for Wilson disease. Last evaluated: 2020-08-29. Review status: criteria provided, single submitter. Criteria: Invitae Variant Classification Sherloc (09022015). Collection method: clinical testing. Allele origin: germline.
Comment: This sequence change creates a premature translational stop signal (p.Cys1079*) in the ATP7B gene. It is expected to result in an absent or disrupted protein product. This variant is not present in population databases (ExAC no frequency). This variant has not been reported in the literature in individuals with ATP7B-related conditions. Loss-of-function variants in ATP7B are known to be pathogenic (PMID: 10441329, 16283883). For these reasons, this variant has been classified as Pathogenic.

Myriad Genetics, Inc.
Classification: Likely pathogenic for Wilson disease. Last evaluated: 2019-11-04. Review status: criteria provided, single submitter. Criteria: Myriad Women's Health Autosomal Recessive and X-Linked Classification Criteria (2019). Collection method: clinical testing. Allele origin: unknown.
Comment: NM_000053.3(ATP7B):c.3237T>A(C1079*) is expected to be pathogenic in the context of Wilson disease. This variant is predicted to lead to an abnormal or absent protein product due to the creation of a premature termination codon in ATP7B, a gene where loss-of-function variants are known to be pathogenic. Please note: this variant was assessed in the context of healthy population screening.

Literature cited by the submitters: PubMed 10441329 (cited by Labcorp Genetics (formerly Invitae), Labcorp); PubMed 16283883 (cited by Labcorp Genetics (formerly Invitae), Labcorp).